The following is an entry in ClinVar:

NM_025137.4(SPG11):c.6725A>C (p.Gln2242Pro)

Gene: SPG11 (SPG11 vesicle trafficking associated, spatacsin; minus strand). Cytogenetic location: 15q21.1.
Variant type: single nucleotide variant.
Coding change: c.6725A>C on transcript NM_025137.4 (MANE Select); coding-DNA position 6725, A replaced by C.
Protein change: p.Gln2242Pro; replaces glutamine 2242 with proline.
Molecular consequence: missense variant.
Genome position (GRCh38, 1-based): chr15:44,567,453, T>G on the plus strand (A>C on the coding strand, the complement: SPG11 is on the minus strand). VCF-style: chr15-44567453-T-G. GRCh37 (hg19) VCF-style: chr15-44859651-T-G.
Other names: c.6386A>C, p.Gln2129Pro (NM_001160227.2); short protein forms Q2242P, Q2129P.
Identifiers: ClinVar variation 1476561 (VCV001476561.8), dbSNP rs2140916949, ClinGen allele CA392214718.

ClinVar aggregate classification (germline): Uncertain significance (1 of 4 stars; one submission).

Conditions:
Hereditary spastic paraplegia 11. Also called: Autosomal recessive hereditary spastic paraplegia, mental impairment, and thin corpus callosum; SPASTIC PARAPLEGIA, AUTOSOMAL RECESSIVE, COMPLICATED, WITH THIN CORPUS CALLOSUM; SPASTIC PARAPLEGIA, AUTOSOMAL RECESSIVE, WITH MENTAL IMPAIRMENT AND THIN CORPUS CALLOSUM; Spastic paraplegia, mental retardation and thin corpus callosum; Spastic Paraplegia 11; Nakamura Osame syndrome. Identifiers: Orphanet 2822, MedGen C1858479, MONDO:0011445, OMIM 604360.

Submission:

Labcorp Genetics (formerly Invitae), Labcorp
Classification: Uncertain significance for Hereditary spastic paraplegia 11. Last evaluated: 2021-06-13. Review status: criteria provided, single submitter. Criteria: Invitae Variant Classification Sherloc (09022015). Collection method: clinical testing. Allele origin: germline.
Comment: This sequence change replaces glutamine with proline at codon 2242 of the SPG11 protein (p.Gln2242Pro). The glutamine residue is moderately conserved and there is a moderate physicochemical difference between glutamine and proline. This variant is not present in population databases (ExAC no frequency). This variant has not been reported in the literature in individuals with SPG11-related conditions. Algorithms developed to predict the effect of missense changes on protein structure and function are either unavailable or do not agree on the potential impact of this missense change (SIFT: "Tolerated"; PolyPhen-2: "Possibly Damaging"; Align-GVGD: "Class C0"). In summary, the available evidence is currently insufficient to determine the role of this variant in disease. Therefore, it has been classified as a Variant of Uncertain Significance.